The following is an entry in ClinVar:

NM_001174096.2(ZEB1):c.1890del (p.Phe630fs)

Gene: ZEB1 (zinc finger E-box binding homeobox 1; plus strand). Cytogenetic location: 10p11.22.
Variant type: Deletion.
Coding change: c.1890del on transcript NM_001174096.2 (MANE Select); coding-DNA position 1890, one base deleted (T; older notation c.1890delT).
Protein change: p.Phe630fs; shifts the reading frame from phenylalanine 630.
Molecular consequence: frameshift variant.
Genome position (GRCh38, 1-based): chr10:31,521,222, T deleted; the last of 3 consecutive T bases (chr10:31,521,220-31,521,222); deleting any one gives the same sequence. VCF-style (leftmost placement, unchanged base first): chr10-31521219-GT-G. GRCh37 (hg19) VCF-style: chr10-31810147-GT-G.
Other names: c.1839del, p.Phe613fs (NM_001128128.3); c.1827del, p.Phe609fs (NM_001174093.2); c.1836del, p.Phe612fs (NM_001174094.2); c.1686del, p.Phe562fs (NM_001174095.2); c.1233del, p.Phe411fs (NM_001323638.2, NM_001323641.2, NM_001323642.2 and 27 more transcripts); c.1665del, p.Phe555fs (NM_001323674.2); c.1623del, p.Phe541fs (NM_001323675.2); c.1848del, p.Phe616fs (NM_001323676.2); and 3 more; short protein forms F609fs, F613fs, F538fs, F562fs, F616fs, F541fs, F612fs, F630fs.
Identifiers: ClinVar variation 2033644 (VCV002033644.4), dbSNP rs2544006774, ClinGen allele CA2580081452.

ClinVar aggregate classification (germline): Pathogenic (1 of 4 stars; one submission).

Submission:

Labcorp Genetics (formerly Invitae), Labcorp
Classification: Pathogenic. Last evaluated: 2022-11-09. Review status: criteria provided, single submitter. Criteria: Invitae Variant Classification Sherloc (09022015). Collection method: clinical testing. Allele origin: germline.
Comment: This sequence change creates a premature translational stop signal (p.Phe629Leufs*24) in the ZEB1 gene. It is expected to result in an absent or disrupted protein product. Loss-of-function variants in ZEB1 are known to be pathogenic (PMID: 16252232, 17935237, 30851240). For these reasons, this variant has been classified as Pathogenic. This variant has not been reported in the literature in individuals affected with ZEB1-related conditions. This variant is not present in population databases (gnomAD no frequency).

Literature cited by the submitters: PubMed 16252232; PubMed 17935237; PubMed 30851240.